The following is an entry in ClinVar:

ClinVar aggregate classification (germline): Likely benign (1 of 4 stars; one submission).

gnomAD v4.1: 1 of 1,613,510 alleles (0.000062%); highest among the groups gnomAD compares: African/African-American, 0.0013%; no homozygotes.

Submission:

Women's Health and Genetics/Laboratory Corporation of America, LabCorp
Classification: Likely benign. Last evaluated: 2025-07-21. Review status: criteria provided, single submitter. Criteria: LabCorp Variant Classification Summary - May 2015. Collection method: clinical testing. Allele origin: germline.
Comment: Variant summary: XPR1 c.1307-13G>A alters a nucleotide located at a position not widely known to affect splicing. Consensus agreement among computation tools predict no significant impact on normal splicing. However, these predictions have yet to be confirmed by functional studies. The variant was absent in 250786 control chromosomes. The available data on variant occurrences in the general population are insufficient to allow any conclusion about variant significance. To our knowledge, no occurrence of c.1307-13G>A in individuals affected with Basal Ganglia Calcification, Idiopathic, 6 and no experimental evidence demonstrating its impact on protein function have been reported. No submitters have cited clinical-significance assessments for this variant to ClinVar. Based on the evidence outlined above, the variant was classified as likely benign.

NM_004736.4(XPR1):c.1307-13G>A

Gene: XPR1 (xenotropic and polytropic retrovirus receptor 1; plus strand). Cytogenetic location: 1q25.3.
Variant type: single nucleotide variant.
Coding change: c.1307-13G>A on transcript NM_004736.4 (MANE Select); 13 bases into the intron before coding-DNA position 1307, G replaced by A.
Molecular consequence: intron variant.
Genome position (GRCh38, 1-based): chr1:180,836,509, G>A. VCF-style: chr1-180836509-G-A. GRCh37 (hg19) VCF-style: chr1-180805645-G-A.
Other names: c.1306+1464G>A (NM_001135669.2); c.1307-13G>A (NM_001328662.2).
Identifiers: ClinVar variation 4525718 (VCV004525718.1).